The following is an entry in ClinVar:

ClinVar aggregate classification (germline): Likely benign (1 of 4 stars; one submission).

Submission:

CeGaT Center for Human Genetics Tuebingen
Classification: Likely benign. Last evaluated: 2026-08-01. Review status: criteria provided, single submitter. Criteria: CeGaT Center For Human Genetics Tuebingen Variant Classification Criteria Version 2. Collection method: clinical testing. Allele origin: germline. Affected: yes. Observed: 1 variant allele.
Comment: SERPING1: PM2:Supporting, BP4, BP7

NM_000062.3(SERPING1):c.1047C>G (p.Leu349=)

Gene: SERPING1 (serpin family G member 1; plus strand). Cytogenetic location: 11q12.1.
Variant type: single nucleotide variant.
Coding change: c.1047C>G on transcript NM_000062.3 (MANE Select); coding-DNA position 1047, C replaced by G.
Protein change: p.Leu349=; no amino-acid change (leucine 349 retained).
Molecular consequence: synonymous variant.
Genome position (GRCh38, 1-based): chr11:57,611,734, C>G. VCF-style: chr11-57611734-C-G. GRCh37 (hg19) VCF-style: chr11-57379207-C-G.
Other names: c.1047C>G, p.Leu349= (NM_001032295.2).
Identifiers: ClinVar variation 5039392 (VCV005039392.1).